The following is an entry in ClinVar:

NM_001349884.2(DRAM2):c.188C>T (p.Ala63Val)

Gene: DRAM2 (DNA damage regulated autophagy modulator 2; minus strand). Cytogenetic location: 1p13.3.
Variant type: single nucleotide variant.
Coding change: c.188C>T on transcript NM_001349884.2 (MANE Select); coding-DNA position 188, C replaced by T.
Protein change: p.Ala63Val; replaces alanine 63 with valine.
Molecular consequence: missense variant. On other transcripts: synonymous variant (3), 5 prime UTR variant (5), non-coding transcript variant (8).
Genome position (GRCh38, 1-based): chr1:111,126,238, G>A on the plus strand (C>T on the coding strand, the complement: DRAM2 is on the minus strand). VCF-style: chr1-111126238-G-A. GRCh37 (hg19) VCF-style: chr1-111668860-G-A.
Other names: c.188C>T, p.Ala63Val (NM_001349881.2, NM_001349882.2, NM_001349885.2 and 1 more transcripts); c.30C>T, p.Cys10= (NM_001349886.2, NM_001349887.2, NM_001349888.2); c.-63C>T (NM_001349889.2, NM_001349890.2, NM_001349892.2 and 1 more transcripts); c.-231C>T (NM_001349891.2); short protein forms A63V.
Identifiers: ClinVar variation 1359209 (VCV001359209.8), dbSNP rs145044841, ClinGen allele CA1001911.

ClinVar aggregate classification (germline): Uncertain significance (1 of 4 stars; one submission).

Allele frequency attached by ClinVar (database versions not stated): gnomAD exomes below 0.00001.
gnomAD v4.1: 6 of 1,607,242 alleles (0.00037%); highest among the groups gnomAD compares: East Asian, 0.0022%; no homozygotes.

Submission:

Labcorp Genetics (formerly Invitae), Labcorp
Classification: Uncertain significance. Last evaluated: 2021-06-05. Review status: criteria provided, single submitter. Criteria: Invitae Variant Classification Sherloc (09022015). Collection method: clinical testing. Allele origin: germline.
Comment: In summary, the available evidence is currently insufficient to determine the role of this variant in disease. Therefore, it has been classified as a Variant of Uncertain Significance. Algorithms developed to predict the effect of missense changes on protein structure and function (SIFT, PolyPhen-2, Align-GVGD) all suggest that this variant is likely to be tolerated, but these predictions have not been confirmed by published functional studies and their clinical significance is uncertain. This variant has not been reported in the literature in individuals with DRAM2-related conditions. This variant is present in population databases (rs145044841, ExAC 0.01%). This sequence change replaces alanine with valine at codon 63 of the DRAM2 protein (p.Ala63Val). The alanine residue is moderately conserved and there is a small physicochemical difference between alanine and valine.